The following is an entry in ClinVar:

ClinVar aggregate classification (germline): Likely benign. Review status: criteria provided, multiple submitters, no conflicts (2 of 4 stars). 2 submissions from 2 submitters: Likely benign (2). Last evaluated 2025-07-24.

Conditions:
Bethlem myopathy 1A. Also called: MYOPATHY, BENIGN CONGENITAL, WITH CONTRACTURES; Bethlem myopathy 1; Bethlem Muscular Dystrophy. Identifiers: Orphanet 610, MedGen CN029274, MONDO:0024530, OMIM 158810.

Allele frequency attached by ClinVar (database versions not stated): gnomAD 0.00001; gnomAD exomes 0.00001; TOPMed 0.00001.
gnomAD v4.1: 10 of 1,611,300 alleles (0.00062%); highest among the groups gnomAD compares: East Asian, 0.0022%; no homozygotes.

Submissions (2):

Labcorp Genetics (formerly Invitae), Labcorp
Classification: Likely benign for Bethlem myopathy 1A. Last evaluated: 2025-07-24. Review status: criteria provided, single submitter. Criteria: Invitae Variant Classification Sherloc (09022015). Collection method: clinical testing. Allele origin: germline.

GeneDx
Classification: Likely benign. Last evaluated: 2017-08-17. Review status: criteria provided, single submitter. Criteria: GeneDx Variant Classification (06012015). Collection method: clinical testing. Allele origin: germline. Affected: yes.
Comment: This variant is considered likely benign or benign based on one or more of the following criteria: it is a conservative change, it occurs at a poorly conserved position in the protein, it is predicted to be benign by multiple in silico algorithms, and/or has population frequency not consistent with disease.

NM_001849.4(COL6A2):c.1059C>T (p.Pro353=)

Gene: COL6A2 (collagen type VI alpha 2 chain; plus strand). Cytogenetic location: 21q22.3.
Variant type: single nucleotide variant.
Coding change: c.1059C>T on transcript NM_001849.4 (MANE Select); coding-DNA position 1059, C replaced by T.
Protein change: p.Pro353=; no amino-acid change (proline 353 retained).
Molecular consequence: synonymous variant.
Genome position (GRCh38, 1-based): chr21:46,117,879, C>T. VCF-style: chr21-46117879-C-T. GRCh37 (hg19) VCF-style: chr21-47537793-C-T.
Other names: c.1059C>T, p.Pro353= (NM_058174.3, NM_058175.3).
Identifiers: ClinVar variation 511401 (VCV000511401.9), dbSNP rs1381119779, ClinGen allele CA512727798.
Genomic context (GRCh38, chr21:46,117,879, plus strand): 5'-ATGGGGAGAACCCCACCCGCCGTGTGCCGAGCTCCACCTCTCACTCCTCTCTCAGGGCCC[C>T]GACGGTTACCCGGGGGAAGCAGGGAGTCCAGGGGAGCGAGGAGACCAAGGCGGCAAGGTA-3'
Protein context (NP_001840.3, residues 343-363): GCKGDPGNRG[Pro353=]DGYPGEAGSP